The following is an entry in ClinVar:

ClinVar aggregate classification (germline): Conflicting classifications of pathogenicity. Review status: criteria provided, conflicting classifications (1 of 4 stars). 6 submissions from 6 submitters: Pathogenic (3); Likely pathogenic (1); Uncertain significance (1). 1 of the submissions does not count toward it. Last evaluated 2024-06-20.

Conditions:
KPTN-related disorder. Also called: KPTN-related condition. Identifiers: MedGen CN381532.
Macrocephaly-developmental delay syndrome (MRT41). Also called: INTELLECTUAL DEVELOPMENTAL DISORDER, AUTOSOMAL RECESSIVE 41. Identifiers: Orphanet 397612, MedGen C3810225, MONDO:0014289, OMIM 615637.

Allele frequency attached by ClinVar (database versions not stated): gnomAD 0.00006 and 0.00007; gnomAD exomes 0.00007; TOPMed 0.00007; ESP Exome Variant Server 0.00008; ExAC 0.00012.
gnomAD v4.1: 187 of 1,613,816 alleles (0.012%); highest among the groups gnomAD compares: Non-Finnish European, 0.015%; no homozygotes.

Submissions (6):

Revvity Omics, Revvity
Classification: Likely pathogenic for Macrocephaly-developmental delay syndrome. Last evaluated: 2024-06-20. Review status: criteria provided, single submitter. Criteria: ACMG Guidelines, 2015. Collection method: clinical testing. Allele origin: germline.

Blueprint Genetics
Classification: Pathogenic for KPTN-related disorders. Last evaluated: 2024-02-08. Review status: criteria provided, single submitter. Criteria: ACMG Guidelines, 2015. Collection method: clinical testing. Allele origin: germline. Affected: yes. Observed: 5 variant alleles.

GeneDx
Classification: Pathogenic. Last evaluated: 2021-11-17. Review status: criteria provided, single submitter. Criteria: GeneDx Variant Classification Process June 2021. Collection method: clinical testing. Allele origin: germline. Affected: yes.
Comment: Canonical splice site variant predicted to result in a null allele in a gene for which loss-of-function is a known mechanism of disease; This variant is associated with the following publications: (PMID: 31999056, 26633542, 32358097, 30008475)

Center for Pediatric Genomic Medicine, Children's Mercy Hospital and Clinics
Classification: Pathogenic for Macrocephaly-developmental delay syndrome. Last evaluated: 2019-12-30. Review status: criteria provided, single submitter. Criteria: ACMG Guidelines, 2015. Collection method: clinical testing. Allele origin: unknown. Affected: yes.

Eurofins Ntd Llc (ga)
Classification: Uncertain significance. Last evaluated: 2017-01-04. Review status: criteria provided, single submitter. Criteria: EGL Classification Definitions 2015. Collection method: clinical testing. Allele origin: germline. Observed: 2 variant alleles, 2 heterozygotes.

OMIM
Classification: Pathogenic for INTELLECTUAL DEVELOPMENTAL DISORDER, AUTOSOMAL RECESSIVE 41. Last evaluated: 2023-04-10. Review status: no assertion criteria provided. Collection method: literature only. Allele origin: germline. Not counted in ClinVar's aggregate classification.

Literature cited by the submitters: PubMed 32358097 (cited by OMIM).

NM_007059.4(KPTN):c.394+1G>A

Gene: KPTN (kaptin, actin binding protein; minus strand). Cytogenetic location: 19q13.32.
Variant type: single nucleotide variant.
Coding change: c.394+1G>A on transcript NM_007059.4 (MANE Select); the canonical splice donor site of the intron after coding-DNA position 394, G replaced by A.
Molecular consequence: splice donor variant. On other transcripts: intron variant (1).
Genome position (GRCh38, 1-based): chr19:47,483,294, C>T on the plus strand (G>A on the coding strand, the complement: KPTN is on the minus strand). VCF-style: chr19-47483294-C-T. GRCh37 (hg19) VCF-style: chr19-47986551-C-T.
Other names: IVS3, A-G, +1 (373139784); c.227-79G>A (NM_001291296.2).
Identifiers: ClinVar variation 499654 (VCV000499654.18), dbSNP rs373139784, ClinGen allele CA9540485.